The following is an entry in ClinVar:

NM_001080517.3(SETD5):c.371del (p.Lys124fs)

Gene: SETD5 (SET domain containing 5; plus strand). Cytogenetic location: 3p25.3.
Variant type: Deletion.
Coding change: c.371del on transcript NM_001080517.3 (MANE Select); coding-DNA position 371, one base deleted (A; older notation c.371delA).
Protein change: p.Lys124fs; shifts the reading frame from lysine 124.
Molecular consequence: frameshift variant.
Genome position (GRCh38, 1-based): chr3:9,434,865, A deleted; the last of 2 consecutive A bases (chr3:9,434,864-9,434,865); deleting either gives the same sequence. VCF-style (leftmost placement, unchanged base first): chr3-9434863-GA-G. GRCh37 (hg19) VCF-style: chr3-9476547-GA-G.
Other names: c.38del, p.Lys13fs (NM_001292043.2, NM_001349451.2); short protein forms K124fs, K13fs.
Identifiers: ClinVar variation 3764623 (VCV003764623.1).

ClinVar aggregate classification (germline): Pathogenic (1 of 4 stars; one submission).

Conditions:
Intellectual disability-facial dysmorphism syndrome due to SETD5 haploinsufficiency (MRD23). Also called: Intellectual developmental disorder, autosomal dominant 23. Identifiers: Orphanet 404440, MedGen C3810406, MONDO:0014336, OMIM 615761.

Submission:

Daryl Scott Lab, Baylor College of Medicine
Classification: Pathogenic for Intellectual disability-facial dysmorphism syndrome due to SETD5 haploinsufficiency. Last evaluated: 2024-01-01. Review status: criteria provided, single submitter. Criteria: ACMG Guidelines, 2015. Collection method: clinical testing. Allele origin: de novo. Affected: yes. Observed: 1 heterozygote.
Comment: PVS1, PS2, PM2